The following is an entry in ClinVar:

ClinVar aggregate classification (germline): Benign/Likely benign. Review status: criteria provided, multiple submitters, no conflicts (2 of 4 stars). 5 submissions from 5 submitters: Benign (1); Likely benign (4). Last evaluated 2026-04-17.

Conditions:
DICER1-related disorder. Also called: DICER1-related condition.
Hereditary cancer-predisposing syndrome. Also called: Tumor predisposition; Hereditary neoplastic syndrome; Hereditary Cancer Syndrome; Neoplastic Syndromes, Hereditary. Identifiers: Orphanet 140162, MedGen C0027672, MeSH D009386, MONDO:0015356.
DICER1-related tumor predisposition. Also called: DICER1 syndrome; DICER1-related pleuropulmonary blastoma cancer predisposition syndrome. Identifiers: Orphanet 284343, MedGen C3839822, MONDO:0100216.

Allele frequency attached by ClinVar (database versions not stated): ExAC 0.00001; gnomAD 0.00002; TOPMed 0.00005; ESP Exome Variant Server 0.00008.
gnomAD v4.1: 51 of 1,614,028 alleles (0.0032%); highest among the groups gnomAD compares: Middle Eastern, 0.016%; no homozygotes.

Submissions (5):

Myriad Genetics, Inc.
Classification: Benign for DICER1-related tumor predisposition. Last evaluated: 2026-04-17. Review status: criteria provided, single submitter. Criteria: Myriad Autosomal Dominant, Autosomal Recessive and X-Linked Classification Criteria (2023). Collection method: clinical testing. Allele origin: unknown.
Comment: This variant is considered benign. This variant is a silent/synonymous amino acid change and it is not expected to impact splicing.

PreventionGenetics, part of Exact Sciences
Classification: Likely benign for DICER1-related condition. Last evaluated: 2026-01-30. Review status: criteria provided, single submitter. Criteria: ACMG Guidelines, 2015. Collection method: clinical testing. Allele origin: germline.
Comment: This variant is classified as likely benign based on ACMG/AMP sequence variant interpretation guidelines (Richards et al. 2015 PMID: 25741868, with internal and published modifications).

Labcorp Genetics (formerly Invitae), Labcorp
Classification: Likely benign for DICER1-related tumor predisposition. Last evaluated: 2025-11-22. Review status: criteria provided, single submitter. Criteria: Invitae Variant Classification Sherloc (09022015). Collection method: clinical testing. Allele origin: germline.

CeGaT Center for Human Genetics Tuebingen
Classification: Likely benign. Last evaluated: 2024-04-01. Review status: criteria provided, single submitter. Criteria: CeGaT Center For Human Genetics Tuebingen Variant Classification Criteria Version 2. Collection method: clinical testing. Allele origin: germline. Affected: yes. Observed: 1 variant allele.
Comment: DICER1: BP4, BP7

Ambry Genetics
Classification: Likely benign for Hereditary cancer-predisposing syndrome. Last evaluated: 2017-07-28. Review status: criteria provided, single submitter. Criteria: Ambry Variant Classification Scheme 2023. Collection method: clinical testing. Allele origin: germline.

NM_177438.3(DICER1):c.3495C>T (p.His1165=)

Gene: DICER1 (dicer 1, ribonuclease III; minus strand). Cytogenetic location: 14q32.13.
Variant type: single nucleotide variant.
Coding change: c.3495C>T on transcript NM_177438.3 (MANE Select); coding-DNA position 3495, C replaced by T.
Protein change: p.His1165=; no amino-acid change (histidine 1165 retained).
Molecular consequence: synonymous variant.
Genome position (GRCh38, 1-based): chr14:95,103,901, G>A on the plus strand (C>T on the coding strand, the complement: DICER1 is on the minus strand). VCF-style: chr14-95103901-G-A. GRCh37 (hg19) VCF-style: chr14-95570238-G-A.
Other names: c.3495C>T, p.His1165= (NM_001195573.1, NM_001271282.3, NM_001291628.2 and 1 more transcripts).
Identifiers: ClinVar variation 417119 (VCV000417119.38), dbSNP rs372581591, ClinGen allele CA7331031.